The following is an entry in ClinVar:

ClinVar aggregate classification (germline): Likely benign. Review status: criteria provided, multiple submitters, no conflicts (2 of 4 stars). 3 submissions from 3 submitters: Likely benign (3). Last evaluated 2025-05-01.

Conditions:
Inborn genetic diseases. Identifiers: MedGen C0950123, MeSH D030342.

Submissions (3):

CeGaT Center for Human Genetics Tuebingen
Classification: Likely benign. Last evaluated: 2025-05-01. Review status: criteria provided, single submitter. Criteria: CeGaT Center For Human Genetics Tuebingen Variant Classification Criteria Version 2. Collection method: clinical testing. Allele origin: germline. Affected: yes. Observed: 1 variant allele.
Comment: ERCC2: PM2:Supporting, BP4, BP7

Labcorp Genetics (formerly Invitae), Labcorp
Classification: Likely benign. Last evaluated: 2023-06-30. Review status: criteria provided, single submitter. Criteria: Invitae Variant Classification Sherloc (09022015). Collection method: clinical testing. Allele origin: germline.

Ambry Genetics
Classification: Likely benign for Inborn genetic diseases. Last evaluated: 2020-06-30. Review status: criteria provided, single submitter. Criteria: Ambry Variant Classification Scheme 2023. Collection method: clinical testing. Allele origin: germline.

NM_000400.4(ERCC2):c.1164C>A (p.Ile388=)

Gene: ERCC2 (ERCC excision repair 2, TFIIH core complex helicase subunit; minus strand). Cytogenetic location: 19q13.32.
Variant type: single nucleotide variant.
Coding change: c.1164C>A on transcript NM_000400.4 (MANE Select); coding-DNA position 1164, C replaced by A.
Protein change: p.Ile388=; no amino-acid change (isoleucine 388 retained).
Molecular consequence: synonymous variant.
Genome position (GRCh38, 1-based): chr19:45,361,597, G>T on the plus strand (C>A on the coding strand, the complement: ERCC2 is on the minus strand). VCF-style: chr19-45361597-G-T. GRCh37 (hg19) VCF-style: chr19-45864855-G-T.
Other names: c.1092C>A, p.Ile364= (NM_001130867.2).
Identifiers: ClinVar variation 1737716 (VCV001737716.15), dbSNP rs1972222251, ClinGen allele CA507821794.